The following is an entry in ClinVar:

NM_000257.4(MYH7):c.1017G>C (p.Leu339=)

Gene: MYH7 (myosin heavy chain 7; minus strand). Cytogenetic location: 14q11.2.
Variant type: single nucleotide variant.
Coding change: c.1017G>C on transcript NM_000257.4 (MANE Select); coding-DNA position 1017, G replaced by C.
Protein change: p.Leu339=; no amino-acid change (leucine 339 retained).
Molecular consequence: synonymous variant.
Genome position (GRCh38, 1-based): chr14:23,429,896, C>G on the plus strand (G>C on the coding strand, the complement: MYH7 is on the minus strand). VCF-style: chr14-23429896-C-G. GRCh37 (hg19) VCF-style: chr14-23899105-C-G.
Other names: c.1017G>C (NM_000257.3); c.1017G>C, p.Leu339= (NM_001407004.1).
Identifiers: ClinVar variation 3025920 (VCV003025920.23), dbSNP rs1892858173, ClinGen allele CA485625958.

ClinVar aggregate classification (germline): Likely benign. Review status: criteria provided, multiple submitters, no conflicts (2 of 4 stars). 2 submissions from 2 submitters: Likely benign (2). Last evaluated 2025-04-09.

Allele frequency attached by ClinVar (database versions not stated): gnomAD exomes below 0.00001; gnomAD 0.00001.
gnomAD v4.1: 2 of 1,613,878 alleles (0.00012%); highest among the groups gnomAD compares: Non-Finnish European, 0.00017%; no homozygotes.

Submissions (2):

Molecular Diagnostic Laboratory for Inherited Cardiovascular Disease, Montreal Heart Institute
Classification: Likely benign. Last evaluated: 2025-04-09. Review status: criteria provided, single submitter. Criteria: ACMG Guidelines, 2015. Collection method: clinical testing. Allele origin: germline. Affected: no.

CeGaT Center for Human Genetics Tuebingen
Classification: Likely benign. Last evaluated: 2023-12-01. Review status: criteria provided, single submitter. Criteria: CeGaT Center For Human Genetics Tuebingen Variant Classification Criteria Version 2. Collection method: clinical testing. Allele origin: germline. Affected: yes. Observed: 1 variant allele.
Comment: MYH7: BP4, BP7